The following is an entry in ClinVar:

NM_001940.4(ATN1):c.513G>A (p.Pro171=)

Gene: ATN1 (atrophin 1; plus strand). Cytogenetic location: 12p13.31.
Variant type: single nucleotide variant.
Coding change: c.513G>A on transcript NM_001940.4 (MANE Select); coding-DNA position 513, G replaced by A.
Protein change: p.Pro171=; no amino-acid change (proline 171 retained).
Molecular consequence: synonymous variant.
Genome position (GRCh38, 1-based): chr12:6,935,780, G>A. VCF-style: chr12-6935780-G-A. GRCh37 (hg19) VCF-style: chr12-7044943-G-A.
Other names: p.Pro171=; c.513G>A, p.Pro171= (NM_001007026.2).
Identifiers: ClinVar variation 1304826 (VCV001304826.6), dbSNP rs144111044, ClinGen allele CA6420399.

ClinVar aggregate classification (germline): Benign. Review status: criteria provided, multiple submitters, no conflicts (2 of 4 stars). 4 submissions from 4 submitters: Benign (3). 1 of the submissions does not count toward it. Last evaluated 2021-11-29.

Conditions:
ATN1-related disorder. Also called: ATN1-related disorders; ATN1-related condition.

Allele frequency attached by ClinVar (database versions not stated): ESP Exome Variant Server 0.00077; 1000 Genomes Project 0.01358; 1000 Genomes Project 30x 0.01468; gnomAD 0.00860 and 0.00844; ExAC 0.01374; TOPMed 0.01451.
gnomAD v4.1: 7,262 of 1,612,506 alleles (0.45%); highest among the groups gnomAD compares: Admixed American, 10%; 394 homozygotes.

Submissions (4):

Mayo Clinic Laboratories, Mayo Clinic
Classification: Benign. Last evaluated: 2021-11-29. Review status: criteria provided, single submitter. Criteria: ACMG Guidelines, 2015. Collection method: clinical testing. Allele origin: germline. Observed: 12 variant alleles.

GeneDx
Classification: Benign. Last evaluated: 2021-07-22. Review status: criteria provided, single submitter. Criteria: GeneDx Variant Classification Process June 2021. Collection method: clinical testing. Allele origin: germline. Affected: yes.

Breakthrough Genomics
Classification: Benign. Review status: criteria provided, single submitter. Criteria: ACMG Guidelines, 2015. Collection method: not provided. Allele origin: germline. Inheritance: Autosomal dominant inheritance. Affected: yes.

PreventionGenetics, part of Exact Sciences
Classification: Benign for ATN1-related condition. Last evaluated: 2020-02-20. Review status: no assertion criteria provided. Collection method: clinical testing. Allele origin: germline. Not counted in ClinVar's aggregate classification.
Comment: This variant is classified as benign based on ACMG/AMP sequence variant interpretation guidelines (Richards et al. 2015 PMID: 25741868, with internal and published modifications).